The following is an entry in ClinVar:

NM_005876.5(SPEG):c.4504G>T (p.Ala1502Ser)

Gene: SPEG (striated muscle enriched protein kinase; plus strand). Cytogenetic location: 2q35.
Variant type: single nucleotide variant.
Coding change: c.4504G>T on transcript NM_005876.5 (MANE Select); coding-DNA position 4504, G replaced by T.
Protein change: p.Ala1502Ser; replaces alanine 1502 with serine.
Molecular consequence: missense variant.
Genome position (GRCh38, 1-based): chr2:219,476,926, G>T. VCF-style: chr2-219476926-G-T. GRCh37 (hg19) VCF-style: chr2-220341648-G-T.
Other names: short protein forms A1502S.
Identifiers: ClinVar variation 1494907 (VCV001494907.4), dbSNP rs757314993, ClinGen allele CA2126526.
Genomic context (GRCh38, chr2:219,476,926, plus strand): 5'-TCAGAGGCCCCTCGGTTTGAGTCCATCATGGAGGACGTGGAGGTGGGGGCTGGGGAAACT[G>T]CTCGCTTTGCGGTGGTGGTCGAGGGAAAACCACTGCCGGACATCATGTGGTACAAGGTCA-3'
Protein context (NP_005867.3, residues 1492-1512): EDVEVGAGET[Ala1502Ser]RFAVVVEGKP

ClinVar aggregate classification (germline): Uncertain significance (1 of 4 stars; one submission).

Allele frequency attached by ClinVar (database versions not stated): gnomAD 0.00001; TOPMed 0.00001; gnomAD exomes 0.00002 and 0.00004; ExAC 0.00005.
gnomAD v4.1: 15 of 1,613,384 alleles (0.00093%); highest among the groups gnomAD compares: Admixed American, 0.023%; no homozygotes.

Submission:

Labcorp Genetics (formerly Invitae), Labcorp
Classification: Uncertain significance. Last evaluated: 2023-10-04. Review status: criteria provided, single submitter. Criteria: Invitae Variant Classification Sherloc (09022015). Collection method: clinical testing. Allele origin: germline.
Comment: This sequence change replaces alanine, which is neutral and non-polar, with serine, which is neutral and polar, at codon 1502 of the SPEG protein (p.Ala1502Ser). This variant is present in population databases (rs757314993, gnomAD 0.03%). This variant has not been reported in the literature in individuals affected with SPEG-related conditions. ClinVar contains an entry for this variant (Variation ID: 1494907). An algorithm developed to predict the effect of missense changes on protein structure and function (PolyPhen-2) suggests that this variant¬†is likely to be tolerated. In summary, the available evidence is currently insufficient to determine the role of this variant in disease. Therefore, it has been classified as a Variant of Uncertain Significance.